The following is an entry in ClinVar:

NM_024675.4(PALB2):c.3272dup (p.Leu1092fs)

Gene: PALB2 (partner and localizer of BRCA2; minus strand). Cytogenetic location: 16p12.2.
Variant type: Duplication.
Coding change: c.3272dup on transcript NM_024675.4 (MANE Select); coding-DNA position 3272, one base duplicated (A; older notation c.3272dupA).
Protein change: p.Leu1092fs; shifts the reading frame from leucine 1092.
Molecular consequence: frameshift variant.
Genome position (GRCh38, 1-based): chr16:23,607,942, T duplicated on the plus strand (A on the coding strand, the reverse complement: PALB2 is on the minus strand). VCF-style (leftmost placement, unchanged base first): chr16-23607941-C-CT. GRCh37 (hg19) VCF-style: chr16-23619262-C-CT.
Other names: c.806dup, p.Leu270Alafs (NM_001407314.1); c.3212dup, p.Leu1072Alafs (NM_001407296.1); c.3200dup, p.Leu1068Alafs (NM_001407297.1); c.3110dup, p.Leu1038Alafs (NM_001407298.1); c.2993dup, p.Leu999Alafs (NM_001407300.1); c.2387dup, p.Leu797Alafs (NM_001407304.1, NM_001407305.1, NM_001407306.1); c.2225dup, p.Leu743Alafs (NM_001407307.1); c.1484dup, p.Leu496Alafs (NM_001407312.1); short protein forms L1092fs.
Identifiers: ClinVar variation 2099805 (VCV002099805.4), dbSNP rs2506216606, ClinGen allele CA2580091273.
Genomic context (GRCh38, chr16:23,607,941, plus strand): 5'-AGGAAGACAGTACAGCATCACACCCACGCTGAGAGTCGTCTTAGGGTTAATCACAATGAG[C>CT]TGAAACACAGGGCTTCGCAACGACTCACTCTCTTTGGCACAGGGATGACTCAGGACAATA-3'

ClinVar aggregate classification (germline): Pathogenic (1 of 4 stars; one submission).

Conditions:
Familial cancer of breast. Also called: Hereditary breast cancer; hereditary breast carcinoma; BREAST CANCER, FAMILIAL. Identifiers: Orphanet 227535, MedGen C0346153, MONDO:0016419, OMIM 114480. Disease mechanism: loss of function.

Submission:

Labcorp Genetics (formerly Invitae), Labcorp
Classification: Pathogenic for Familial cancer of breast. Last evaluated: 2022-02-20. Review status: criteria provided, single submitter. Criteria: Invitae Variant Classification Sherloc (09022015). Collection method: clinical testing. Allele origin: germline.
Comment: For these reasons, this variant has been classified as Pathogenic. This variant has not been reported in the literature in individuals affected with PALB2-related conditions. This variant is not present in population databases (gnomAD no frequency). This sequence change creates a premature translational stop signal (p.Leu1092Alafs*5) in the PALB2 gene. It is expected to result in an absent or disrupted protein product. Loss-of-function variants in PALB2 are known to be pathogenic (PMID: 17200668, 17200671, 17200672, 24136930, 25099575).

Literature cited by the submitters: PubMed 17200668; PubMed 17200671; PubMed 17200672; PubMed 24136930; PubMed 25099575.